The following is an entry in ClinVar:

NM_052867.4(NALCN):c.1550T>G (p.Leu517Trp)

Gene: NALCN (sodium leak channel, non-selective; minus strand). Cytogenetic location: 13q33.1.
Variant type: single nucleotide variant.
Coding change: c.1550T>G on transcript NM_052867.4 (MANE Select); coding-DNA position 1550, T replaced by G.
Protein change: p.Leu517Trp; replaces leucine 517 with tryptophan.
Molecular consequence: missense variant.
Genome position (GRCh38, 1-based): chr13:101,229,469, A>C on the plus strand (T>G on the coding strand, the complement: NALCN is on the minus strand). VCF-style: chr13-101229469-A-C. GRCh37 (hg19) VCF-style: chr13-101881820-A-C.
Other names: c.1550T>G, p.Leu517Trp (NM_001350748.2, NM_001350749.2); c.1463T>G, p.Leu488Trp (NM_001350750.2, NM_001350751.2); short protein forms L488W, L517W.
Identifiers: ClinVar variation 1325969 (VCV001325969.5), dbSNP rs2140132816, ClinGen allele CA388704360.
Genomic context (GRCh38, chr13:101,229,469, plus strand): 5'-AATCTGTCCAGTTCTTCGACAAAGCAGAACATCTGCAAACTAATTGCTGACATAACAATC[A>C]AGAGGCTGGCAGTAAATACAACCAAACTCCCAAGCTTTTTTCCAGGACCAAATATCTTGT-3'
Protein context (NP_443099.1, residues 507-527): GSLVVFTASL[Leu517Trp]IVMSAISLQM

ClinVar aggregate classification (germline): Likely pathogenic. Review status: criteria provided, multiple submitters, no conflicts (2 of 4 stars). 2 submissions from 2 submitters: Likely pathogenic (2). Last evaluated 2025-12-18.

Conditions:
Congenital contractures of the limbs and face, hypotonia, and developmental delay (CLIFAHDD). Identifiers: Orphanet 562528, MedGen C4225398, MONDO:0014556, OMIM 616266.

Submissions (2):

Equipe Genetique des Anomalies du Developpement, Université de Bourgogne
Classification: Likely pathogenic for Congenital contractures of the limbs and face, hypotonia, and developmental delay. Last evaluated: 2025-12-18. Review status: criteria provided, single submitter. Criteria: ACMG Guidelines, 2015. Collection method: clinical testing. Allele origin: de novo. Affected: yes.

GeneDx
Classification: Likely pathogenic. Last evaluated: 2025-05-05. Review status: criteria provided, single submitter. Criteria: GeneDx Variant Classification Process June 2021. Collection method: clinical testing. Allele origin: germline. Affected: yes.
Comment: Not observed at significant frequency in large population cohorts (gnomAD); In silico analysis supports that this missense variant has a deleterious effect on protein structure/function; Has not been previously published as pathogenic or benign to our knowledge